The following is an entry in ClinVar:

NM_002734.5(PRKAR1A):c.63C>G (p.Tyr21Ter)

Gene: PRKAR1A (protein kinase cAMP-dependent type I regulatory subunit alpha; plus strand). Cytogenetic location: 17q24.2.
Variant type: single nucleotide variant.
Coding change: c.63C>G on transcript NM_002734.5 (MANE Select); coding-DNA position 63, C replaced by G.
Protein change: p.Tyr21Ter; replaces tyrosine 21 with a stop codon.
Molecular consequence: nonsense.
Genome position (GRCh38, 1-based): chr17:68,515,462, C>G. VCF-style: chr17-68515462-C-G. GRCh37 (hg19) VCF-style: chr17-66511603-C-G.
Other names: c.63C>G, p.Tyr21Ter (NM_001369389.1, NM_001369390.1, NM_212471.3 and 4 more transcripts); short protein forms Y21*.
Identifiers: ClinVar variation 4144360 (VCV004144360.1).

ClinVar aggregate classification (germline): Likely pathogenic (1 of 4 stars; one submission).

Conditions:
Hereditary cancer-predisposing syndrome. Also called: Hereditary neoplastic syndrome; Neoplastic Syndromes, Hereditary; Tumor predisposition; Hereditary Cancer Syndrome. Identifiers: Orphanet 140162, MedGen C0027672, MeSH D009386, MONDO:0015356.

Submission:

Ambry Genetics
Classification: Likely pathogenic for Hereditary cancer-predisposing syndrome. Last evaluated: 2025-07-07. Review status: criteria provided, single submitter. Criteria: Ambry Variant Classification Scheme 2023. Collection method: clinical testing. Allele origin: germline.
Comment: The p.Y21* variant (also known as c.63C>G), located in coding exon 1 of the PRKAR1A gene, results from a C to G substitution at nucleotide position 63. This changes the amino acid from a tyrosine to a stop codon within coding exon 1. The predicted stop codon occurs in the 5&rsquo; end of thePRKAR1A gene. Premature termination codons in the 5&rsquo; end of a gene have been reported to escape nonsense-mediated mRNAdecay and/or lead to re-initiation (Rivas et al. Science. 2015 May 8;348(6235):666-9; Lindeboom et al. Nat Genet. 2016 Oct;48(10):1112-8; Rhee et al. Sci Rep. 2017 May 10;7(1):1653). Direct evidence for this alteration is unavailable, however premature termination codons are typically deleterious in nature. Another variant resulting in the same amino acid change (c.63C>A) has been identified in an individual with features consistent with PRKAR1A-related Carney complex (Almeida MQ et al. Arq Bras Endocrinol Metabol, 2008 Nov;52:1257-63). This variant is considered to be rare based on population cohorts in the Genome Aggregation Database (gnomAD). Based on the supporting evidence, this alteration is likely pathogenic for Carney complex; however, the association of this alteration with acrodysostosis is unknown.

Literature cited by the submitters: PubMed 19169478.